The following is an entry in ClinVar:

NM_000278.5(PAX2):c.114G>A (p.Arg38=)

Gene: PAX2 (paired box 2; plus strand). Cytogenetic location: 10q24.31.
Variant type: single nucleotide variant.
Coding change: c.114G>A on transcript NM_000278.5 (MANE Select); coding-DNA position 114, G replaced by A.
Protein change: p.Arg38=; no amino-acid change (arginine 38 retained).
Molecular consequence: synonymous variant.
Genome position (GRCh38, 1-based): chr10:100,749,816, G>A. VCF-style: chr10-100749816-G-A. GRCh37 (hg19) VCF-style: chr10-102509573-G-A.
Other names: c.207G>A, p.Arg69= (NM_001304569.2); c.114G>A, p.Arg38= (NM_003987.5, NM_003988.5, NM_003989.5 and 1 more transcripts).
Identifiers: ClinVar variation 3051092 (VCV003051092.2), dbSNP rs1845368325, ClinGen allele CA471216002.

ClinVar aggregate classification (germline): Likely benign (0 of 4 stars; one submission).

Conditions:
PAX2-Related Disorder. Also called: PAX2-related disorders. Identifiers: MedGen CN381309.

Allele frequency attached by ClinVar (database versions not stated): gnomAD exomes below 0.00001.
gnomAD v4.1: 2 of 1,611,732 alleles (0.00012%); highest among the groups gnomAD compares: African/African-American, 0.0013%; no homozygotes.

Submission:

PreventionGenetics, part of Exact Sciences
Classification: Likely benign for PAX2-related condition. Last evaluated: 2023-12-01. Review status: no assertion criteria provided. Collection method: clinical testing. Allele origin: germline.
Comment: This variant is classified as likely benign based on ACMG/AMP sequence variant interpretation guidelines (Richards et al. 2015 PMID: 25741868, with internal and published modifications).